The following is an entry in ClinVar:

ClinVar aggregate classification (germline): Uncertain significance (1 of 4 stars; one submission).

Conditions:
Arrhythmogenic right ventricular cardiomyopathy (ARVD). Also called: Arrhythmogenic right ventricular dysplasia; Cardiomyopathy, ARVC; Arrhythmogenic cardiomyopathy; Arrhythmogenic Right Ventricular Cardiomyopathy (ARVC). Identifiers: Orphanet 247, MedGen C0349788, MeSH D019571, MONDO:0016587. Disease mechanism: loss of function. Inheritance: Various modes of inheritance.

Submission:

All of Us Research Program, National Institutes of Health
Classification: Uncertain significance for Arrhythmogenic right ventricular cardiomyopathy. Last evaluated: 2023-12-01. Review status: criteria provided, single submitter. Criteria: ACMG Guidelines, 2015. Collection method: clinical testing. Allele origin: germline. Inheritance: Autosomal dominant inheritance. Observed: 1 variant allele, 1 heterozygote.
Comment: This study involves interpretation of variants in research participants for the purpose of population health screening. Participant phenotype was not available at the time of variant classification. Additional details can be found in publication PMID: 35346344, PMCID: PMC8962531

NM_001005242.3(PKP2):c.1913T>C (p.Val638Ala)

Gene: PKP2 (plakophilin 2; minus strand). Cytogenetic location: 12p11.21.
Variant type: single nucleotide variant.
Coding change: c.1913T>C on transcript NM_001005242.3 (MANE Select); coding-DNA position 1913, T replaced by C.
Protein change: p.Val638Ala; replaces valine 638 with alanine.
Molecular consequence: missense variant.
Genome position (GRCh38, 1-based): chr12:32,821,456, A>G on the plus strand (T>C on the coding strand, the complement: PKP2 is on the minus strand). VCF-style: chr12-32821456-A-G. GRCh37 (hg19) VCF-style: chr12-32974390-A-G.
Other names: c.1913T>C, p.Val638Ala (NM_001407155.1, NM_001407161.1); c.1748T>C, p.Val583Ala (NM_001407156.1); c.2045T>C, p.Val682Ala (NM_001407157.1, NM_004572.4); c.1586T>C, p.Val529Ala (NM_001407158.1, NM_001407159.1, NM_001407160.1 and 1 more transcripts); short protein forms V529A, V583A, V638A, V682A.
Identifiers: ClinVar variation 3074179 (VCV003074179.1), dbSNP rs1956376516, ClinGen allele CA384361856.
Genomic context (GRCh38, chr12:32,821,456, plus strand): 5'-GATGCTTCTTGTGTGTAGTTGCGGACACTTTTGGCGATCAAGGACAGATACATCCTTATA[A>G]CAATGGAATGCCACAGCCACTCCACGCCCTTGGGGTTGCTCTTTTCCTCCGGCATCGGCA-3'
Protein context (NP_001005242.2, residues 628-648): KGVEWLWHSI[Val638Ala]IRMYLSLIAK